The following is an entry in ClinVar:

NM_001943.5(DSG2):c.1385del (p.Asn462fs)

Gene: DSG2 (desmoglein 2; plus strand). Cytogenetic location: 18q12.1.
Variant type: Deletion.
Coding change: c.1385del on transcript NM_001943.5 (MANE Select); coding-DNA position 1385, one base deleted (A; older notation c.1385delA).
Protein change: p.Asn462fs; shifts the reading frame from asparagine 462.
Molecular consequence: frameshift variant.
Genome position (GRCh38, 1-based): chr18:31,535,374, A deleted; the last of 4 consecutive A bases (chr18:31,535,371-31,535,374); deleting any one gives the same sequence. VCF-style (leftmost placement, unchanged base first): chr18-31535370-CA-C. GRCh37 (hg19) VCF-style: chr18-29115333-CA-C.
Other names: short protein forms N462fs.
Identifiers: ClinVar variation 2576619 (VCV002576619.5), dbSNP rs2510917341, ClinGen allele CA2580612972.
Genomic context (GRCh38, chr18:31,535,370, plus strand): 5'-GATTCTGTCACATCTGAAATTAAACTTGCAAAACTTCCTGATTTTGAATCTAGATATGTT[CA>C]AAATGGCACATACACTGTAAAGATTGTGGCCATATCAGAAGGTAAGTTATTAAATAGATC-3'

ClinVar aggregate classification (germline): Pathogenic/Likely pathogenic. Review status: criteria provided, multiple submitters, no conflicts (2 of 4 stars). 2 submissions from 2 submitters: Pathogenic (1); Likely pathogenic (1). Last evaluated 2023-06-28.

Conditions:
Arrhythmogenic right ventricular dysplasia 10. Also called: Arrhythmogenic Right Ventricular Dysplasia/Cardiomyopathy10; Arrhythmogenic right ventricular dysplasia/cardiomyopathy, type 10; ARRHYTHMOGENIC RIGHT VENTRICULAR DYSPLASIA, FAMILIAL, 10. Identifiers: MedGen C1857777, MONDO:0012434, OMIM 610193.

Submissions (2):

Institute of Human Genetics, University of Leipzig Medical Center
Classification: Likely pathogenic for Arrhythmogenic right ventricular dysplasia 10. Last evaluated: 2023-06-28. Review status: criteria provided, single submitter. Criteria: ACMG Guidelines, 2015. Collection method: clinical testing. Allele origin: unknown. Inheritance: Autosomal dominant inheritance. Affected: yes.
Comment: Criteria applied: PVS1,PM2_SUP

Labcorp Genetics (formerly Invitae), Labcorp
Classification: Pathogenic for Arrhythmogenic right ventricular dysplasia 10. Last evaluated: 2023-02-26. Review status: criteria provided, single submitter. Criteria: Invitae Variant Classification Sherloc (09022015). Collection method: clinical testing. Allele origin: germline.
Comment: For these reasons, this variant has been classified as Pathogenic. This variant has not been reported in the literature in individuals affected with DSG2-related conditions. This variant is not present in population databases (gnomAD no frequency). This sequence change creates a premature translational stop signal (p.Asn462Metfs*6) in the DSG2 gene. It is expected to result in an absent or disrupted protein product. Loss-of-function variants in DSG2 are known to be pathogenic (PMID: 17105751, 31386562).

Literature cited by the submitters: PubMed 17105751 (cited by Labcorp Genetics (formerly Invitae), Labcorp); PubMed 31386562 (cited by Labcorp Genetics (formerly Invitae), Labcorp).